The following is an entry in ClinVar:

ClinVar aggregate classification (germline): Uncertain significance (1 of 4 stars; one submission).

Conditions:
Charcot-Marie-Tooth disease type 4. Also called: Charcot-Marie-Tooth, Type 4; Charcot-Marie-Tooth disease, type IV. Identifiers: Orphanet 64749, MedGen C4082197, MONDO:0018995.

Allele frequency attached by ClinVar (database versions not stated): gnomAD 0.00001.
gnomAD v4.1: 10 of 1,612,616 alleles (0.00062%); highest among the groups gnomAD compares: Non-Finnish European, 0.00085%; no homozygotes.

Submission:

Labcorp Genetics (formerly Invitae), Labcorp
Classification: Uncertain significance for Charcot-Marie-Tooth disease type 4. Last evaluated: 2024-07-19. Review status: criteria provided, single submitter. Criteria: Invitae Variant Classification Sherloc (09022015). Collection method: clinical testing. Allele origin: germline.
Comment: This sequence change replaces serine, which is neutral and polar, with threonine, which is neutral and polar, at codon 1227 of the SBF2 protein (p.Ser1227Thr). This variant is not present in population databases (gnomAD no frequency). This variant has not been reported in the literature in individuals affected with SBF2-related conditions. ClinVar contains an entry for this variant (Variation ID: 933430). Advanced modeling of protein sequence and biophysical properties (such as structural, functional, and spatial information, amino acid conservation, physicochemical variation, residue mobility, and thermodynamic stability) performed at Invitae indicates that this missense variant is not expected to disrupt SBF2 protein function with a negative predictive value of 80%. In summary, the available evidence is currently insufficient to determine the role of this variant in disease. Therefore, it has been classified as a Variant of Uncertain Significance.

NM_030962.4(SBF2):c.3680G>C (p.Ser1227Thr)

Gene: SBF2 (SET binding factor 2; minus strand). Cytogenetic location: 11p15.4.
Variant type: single nucleotide variant.
Coding change: c.3680G>C on transcript NM_030962.4 (MANE Select); coding-DNA position 3680, G replaced by C.
Protein change: p.Ser1227Thr; replaces serine 1227 with threonine.
Molecular consequence: missense variant.
Genome position (GRCh38, 1-based): chr11:9,829,469, C>G on the plus strand (G>C on the coding strand, the complement: SBF2 is on the minus strand). VCF-style: chr11-9829469-C-G. GRCh37 (hg19) VCF-style: chr11-9851016-C-G.
Other names: c.3680G>C, p.Ser1227Thr (NM_001386339.1); c.3551G>C, p.Ser1184Thr (NM_001386342.1); short protein forms S1227T, S1184T.
Identifiers: ClinVar variation 933430 (VCV000933430.9), dbSNP rs1261598853, ClinGen allele CA379645390.